The following is an entry in ClinVar:

NM_030662.4(MAP2K2):c.551T>C (p.Leu184Pro)

Gene: MAP2K2 (mitogen-activated protein kinase kinase 2; minus strand). Cytogenetic location: 19p13.3.
Variant type: single nucleotide variant.
Coding change: c.551T>C on transcript NM_030662.4 (MANE Select); coding-DNA position 551, T replaced by C.
Protein change: p.Leu184Pro; replaces leucine 184 with proline.
Molecular consequence: missense variant.
Genome position (GRCh38, 1-based): chr19:4,101,258, A>G on the plus strand (T>C on the coding strand, the complement: MAP2K2 is on the minus strand). VCF-style: chr19-4101258-A-G. GRCh37 (hg19) VCF-style: chr19-4101256-A-G.
Other names: short protein forms L184P.
Identifiers: ClinVar variation 2086788 (VCV002086788.4), dbSNP rs2512310616, ClinGen allele CA403388970.

ClinVar aggregate classification (germline): Uncertain significance (1 of 4 stars; one submission).

Conditions:
RASopathy. Also called: rasopathies; Noonan spectrum disorder. Identifiers: Orphanet 536391, MedGen C5555857, MONDO:0021060.

Submission:

Labcorp Genetics (formerly Invitae), Labcorp
Classification: Uncertain significance for RASopathy. Last evaluated: 2022-01-17. Review status: criteria provided, single submitter. Criteria: Invitae Variant Classification Sherloc (09022015). Collection method: clinical testing. Allele origin: germline.
Comment: This variant has not been reported in the literature in individuals affected with MAP2K2-related conditions. This variant is not present in population databases (gnomAD no frequency). This sequence change replaces leucine, which is neutral and non-polar, with proline, which is neutral and non-polar, at codon 184 of the MAP2K2 protein (p.Leu184Pro). Advanced modeling of protein sequence and biophysical properties (such as structural, functional, and spatial information, amino acid conservation, physicochemical variation, residue mobility, and thermodynamic stability) performed at Invitae indicates that this missense variant is expected to disrupt MAP2K2 protein function. In summary, the available evidence is currently insufficient to determine the role of this variant in disease. Therefore, it has been classified as a Variant of Uncertain Significance.